The following is an entry in ClinVar:

ClinVar aggregate classification (germline): Uncertain significance. Review status: criteria provided, multiple submitters, no conflicts (2 of 4 stars). 6 submissions from 6 submitters: Uncertain significance (4). 2 of the submissions do not count toward it. Last evaluated 2024-09-19.

Conditions:
Joubert syndrome. Also called: Familial aplasia of the vermis; JOUBERT-BOLTSHAUSER SYNDROME. Identifiers: Orphanet 475, MedGen C5979921, MONDO:0018772.
Nephronophthisis. Also called: Juvenile Nephronophthisis. Identifiers: Orphanet 655, MedGen C0687120, MONDO:0019005, HP:0000090.
Meckel-Gruber syndrome. Also called: DYSENCEPHALIA SPLANCHNOCYSTICA; GRUBER SYNDROME; Dysencephalia splachnocystica. Identifiers: Orphanet 564, MedGen C0265215, MONDO:0018921.
Retinal dystrophy. Also called: Inherited retinal dystrophy. Identifiers: Orphanet 71862, MedGen C0854723, MeSH D058499, MONDO:0019118, HP:0000556.
CEP290-related disorder. Also called: CEP290-related condition; CEP290-related disorders. Identifiers: MedGen CN239314.

Allele frequency attached by ClinVar (database versions not stated): ExAC 0.00001; TOPMed 0.00003; gnomAD exomes 0.00007; ESP Exome Variant Server 0.00009.
gnomAD v4.1: 111 of 1,606,732 alleles (0.0069%); highest among the groups gnomAD compares: Non-Finnish European, 0.0086%; no homozygotes.

Submissions (6):

Blueprint Genetics
Classification: Uncertain significance. Last evaluated: 2024-09-19. Review status: criteria provided, single submitter. Criteria: ACMG Guidelines, 2015. Collection method: clinical testing. Allele origin: germline.

GeneDx
Classification: Uncertain significance. Last evaluated: 2024-06-27. Review status: criteria provided, single submitter. Criteria: GeneDx Variant Classification Process June 2021. Collection method: clinical testing. Allele origin: germline. Affected: yes.
Comment: Not observed at significant frequency in large population cohorts (gnomAD); In silico analysis supports that this missense variant has a deleterious effect on protein structure/function; Has not been previously published as pathogenic or benign to our knowledge

Dept Of Ophthalmology, Nagoya University
Classification: Uncertain significance for Retinal dystrophy. Last evaluated: 2023-10-01. Review status: criteria provided, single submitter. Criteria: Submitter's publication. Collection method: research. Allele origin: germline. Affected: yes.

Labcorp Genetics (formerly Invitae), Labcorp
Classification: Uncertain significance for Joubert syndrome; Meckel-Gruber syndrome; Nephronophthisis. Last evaluated: 2022-08-12. Review status: criteria provided, single submitter. Criteria: Invitae Variant Classification Sherloc (09022015). Collection method: clinical testing. Allele origin: germline.
Comment: This sequence change replaces glycine, which is neutral and non-polar, with arginine, which is basic and polar, at codon 710 of the CEP290 protein (p.Gly710Arg). This variant is present in population databases (rs377142184, gnomAD 0.008%). This variant has not been reported in the literature in individuals affected with CEP290-related conditions. Algorithms developed to predict the effect of missense changes on protein structure and function are either unavailable or do not agree on the potential impact of this missense change (SIFT: "Deleterious"; PolyPhen-2: "Probably Damaging"; Align-GVGD: "Class C0"). In summary, the available evidence is currently insufficient to determine the role of this variant in disease. Therefore, it has been classified as a Variant of Uncertain Significance.

PreventionGenetics, part of Exact Sciences
Classification: Uncertain significance for CEP290-related condition. Last evaluated: 2024-09-11. Review status: no assertion criteria provided. Collection method: clinical testing. Allele origin: germline. Not counted in ClinVar's aggregate classification.
Comment: The CEP290 c.2128G>A variant is predicted to result in the amino acid substitution p.Gly710Arg. To our knowledge, this variant has not been reported in the literature. This variant is reported in 0.0084% of alleles in individuals of African descent in gnomAD. At this time, the clinical significance of this variant is uncertain due to the absence of conclusive functional and genetic evidence.

Institute of Human Genetics, Univ. Regensburg, Univ. Regensburg
Classification: Uncertain significance for Retinal dystrophy. Last evaluated: 2022-01-01. Review status: no assertion criteria provided. Criteria: ACMG Guidelines, 2015. Collection method: clinical testing. Allele origin: germline. Affected: yes. Not counted in ClinVar's aggregate classification.

NM_025114.4(CEP290):c.2128G>A (p.Gly710Arg)

Gene: CEP290 (centrosomal protein 290; minus strand). Cytogenetic location: 12q21.32.
Variant type: single nucleotide variant.
Coding change: c.2128G>A on transcript NM_025114.4 (MANE Select); coding-DNA position 2128, G replaced by A.
Protein change: p.Gly710Arg; replaces glycine 710 with arginine.
Molecular consequence: missense variant.
Genome position (GRCh38, 1-based): chr12:88,111,783, C>T on the plus strand (G>A on the coding strand, the complement: CEP290 is on the minus strand). VCF-style: chr12-88111783-C-T. GRCh37 (hg19) VCF-style: chr12-88505560-C-T.
Other names: c.2128G>A (NM_025114.3); short protein forms G710R.
Identifiers: ClinVar variation 2034850 (VCV002034850.6), dbSNP rs377142184, ClinGen allele CA6712396.
Genomic context (GRCh38, chr12:88,111,783, plus strand): 5'-AATAATTTATAGCCTCTTTCCGAGATTCCCTGAGCTCCTGTCTTAATTCTTCATTTCTTC[C>T]GGTAAGCTGATCAACTTGGGCTTTCAAATGCAGACTCGCATCAAAGATTCCTTCTGCATT-3'
Protein context (NP_079390.3, residues 700-720): HLKAQVDQLT[Gly710Arg]RNEELRQELR